The following is an entry in ClinVar:

ClinVar aggregate classification (germline): Uncertain significance (1 of 4 stars; one submission).

Submission:

GeneDx
Classification: Uncertain significance. Last evaluated: 2025-06-30. Review status: criteria provided, single submitter. Criteria: GeneDx Variant Classification Process June 2021. Collection method: clinical testing. Allele origin: germline. Affected: yes.
Comment: Not observed at significant frequency in large population cohorts (gnomAD); In silico analysis suggests that this missense variant does not alter protein structure/function; Has not been previously published as pathogenic or benign to our knowledge

NM_014712.3(SETD1A):c.1077T>G (p.Phe359Leu)

Gene: SETD1A (SET domain containing 1A, histone lysine methyltransferase; plus strand). Cytogenetic location: 16p11.2.
Variant type: single nucleotide variant.
Coding change: c.1077T>G on transcript NM_014712.3 (MANE Select); coding-DNA position 1077, T replaced by G.
Protein change: p.Phe359Leu; replaces phenylalanine 359 with leucine.
Molecular consequence: missense variant.
Genome position (GRCh38, 1-based): chr16:30,964,819, T>G. VCF-style: chr16-30964819-T-G. GRCh37 (hg19) VCF-style: chr16-30976140-T-G.
Other names: short protein forms F359L.
Identifiers: ClinVar variation 4681085 (VCV004681085.1).